The following is an entry in ClinVar:

ClinVar aggregate classification (germline): Uncertain significance (1 of 4 stars; one submission).

Submission:

Biesecker Lab/Clinical Genomics Section, National Institutes of Health
Classification: Uncertain significance. Last evaluated: 2013-06-24. Review status: criteria provided, single submitter. Criteria: Ng et al. (Circ Cardiovasc Genet. 2013). Collection method: research. Allele origin: unknown. Observed: 1 variant allele. Study: ClinSeq.
Comment: The study set was not selected for affection status in relation to any cancer. Pathogenicity categories were based on literature curation. See Pubmed ID:23861362 for details.

Medical sequencing

NM_001267550.2(TTN):c.106028A>G (p.Glu35343Gly)

Genes: TTN (titin; minus strand), TTN-AS1 (TTN antisense RNA 1; plus strand), LOC129935182 (ATAC-STARR-seq lymphoblastoid active region 16807; plus strand). Cytogenetic location: 2q31.2.
Variant type: single nucleotide variant.
Coding change: c.106028A>G on transcript NM_001267550.2 (MANE Select); coding-DNA position 106028, A replaced by G.
Protein change: p.Glu35343Gly; replaces glutamic acid 35343 with glycine.
Molecular consequence: missense variant.
Genome position (GRCh38, 1-based): chr2:178,530,587, T>C on the plus strand (A>G on the coding strand, the complement: TTN is on the minus strand). VCF-style: chr2-178530587-T-C. GRCh37 (hg19) VCF-style: chr2-179395314-T-C.
Other names: c.101105A>G, p.Glu33702Gly (NM_001256850.1); c.78833A>G, p.Glu26278Gly (NM_003319.4); c.98324A>G, p.Glu32775Gly (NM_133378.4); c.79208A>G, p.Glu26403Gly (NM_133432.3); c.79409A>G, p.Glu26470Gly (NM_133437.4); short protein forms E32775G, E35343G, E26278G, E33702G, E26403G, E26470G.
Identifiers: ClinVar variation 191810 (VCV000191810.1), dbSNP rs201882514, ClinGen allele CA237605.